The following is an entry in ClinVar:

ClinVar aggregate classification (germline): Uncertain significance. Review status: criteria provided, multiple submitters, no conflicts (2 of 4 stars). 2 submissions from 2 submitters: Uncertain significance (2). Last evaluated 2024-02-21.

Conditions:
Inborn genetic diseases. Identifiers: MedGen C0950123, MeSH D030342.
Congenital myasthenic syndrome 10. Also called: Myasthenia, limb-girdle, familial. Identifiers: Orphanet 590, MedGen C1850792, MONDO:0009690, OMIM 254300.
Fetal akinesia deformation sequence 1 (FADS1). Also called: Fetal akinesia sequence; Pena-Shokeir syndrome type I. Identifiers: Orphanet 994, MedGen C1276035, MONDO:0100101, OMIM 208150, HP:0001989.

Allele frequency attached by ClinVar (database versions not stated): gnomAD exomes below 0.00001 and 0.00001; ExAC 0.00001.
gnomAD v4.1: 4 of 1,608,408 alleles (0.00025%); highest among the groups gnomAD compares: East Asian, 0.0045%; no homozygotes.

Submissions (2):

Ambry Genetics
Classification: Uncertain significance for Inborn genetic diseases. Last evaluated: 2024-02-21. Review status: criteria provided, single submitter. Criteria: Ambry Variant Classification Scheme 2023. Collection method: clinical testing. Allele origin: germline.

Labcorp Genetics (formerly Invitae), Labcorp
Classification: Uncertain significance for Congenital myasthenic syndrome 10; Fetal akinesia deformation sequence 1. Last evaluated: 2021-11-01. Review status: criteria provided, single submitter. Criteria: Invitae Variant Classification Sherloc (09022015). Collection method: clinical testing. Allele origin: germline.
Comment: This sequence change replaces serine, which is neutral and polar, with isoleucine, which is neutral and non-polar, at codon 293 of the DOK7 protein (p.Ser293Ile). The frequency data for this variant in the population databases is considered unreliable, as metrics indicate poor data quality at this position in the gnomAD database. This variant has not been reported in the literature in individuals affected with DOK7-related conditions. Algorithms developed to predict the effect of missense changes on protein structure and function (SIFT, PolyPhen-2, Align-GVGD) all suggest that this variant is likely to be tolerated. In summary, the available evidence is currently insufficient to determine the role of this variant in disease. Therefore, it has been classified as a Variant of Uncertain Significance.

NM_173660.5(DOK7):c.878G>T (p.Ser293Ile)

Gene: DOK7 (docking protein 7; plus strand). Cytogenetic location: 4p16.3.
Variant type: single nucleotide variant.
Coding change: c.878G>T on transcript NM_173660.5 (MANE Select); coding-DNA position 878, G replaced by T.
Protein change: p.Ser293Ile; replaces serine 293 with isoleucine.
Molecular consequence: missense variant. On other transcripts: 3 prime UTR variant (1), 5 prime UTR variant (1).
Genome position (GRCh38, 1-based): chr4:3,492,864, G>T. VCF-style: chr4-3492864-G-T. GRCh37 (hg19) VCF-style: chr4-3494591-G-T.
Other names: c.*99G>T (NM_001164673.2); c.-53G>T (NM_001256896.2); c.878G>T, p.Ser293Ile (NM_001301071.2); c.446G>T, p.Ser149Ile (NM_001363811.2); c.878G>T (NM_173660.4); short protein forms S149I, S293I.
Identifiers: ClinVar variation 1376266 (VCV001376266.4), dbSNP rs767303929, ClinGen allele CA2829268.